The following is an entry in ClinVar:

ClinVar aggregate classification (germline): Pathogenic (1 of 4 stars; one submission).

Conditions:
Hereditary breast ovarian cancer syndrome. Also called: Hereditary breast and/or ovarian cancer syndrome; Hereditary breast and ovarian cancer syndrome; Breast and ovarian cancer; Hereditary breast and ovarian cancer syndrome (HBOC); BRCA1- and BRCA2-Associated Hereditary Breast and Ovarian Cancer; Hereditary breast and ovarian cancer. Identifiers: Orphanet 145, MedGen C0677776, MeSH D061325, MONDO:0003582. Disease mechanism: loss of function.

Submission:

Labcorp Genetics (formerly Invitae), Labcorp
Classification: Pathogenic for Hereditary breast ovarian cancer syndrome. Last evaluated: 2025-08-03. Review status: criteria provided, single submitter. Criteria: Invitae Variant Classification Sherloc (09022015). Collection method: clinical testing. Allele origin: germline.
Comment: This sequence change creates a premature translational stop signal (p.Lys38Serfs*12) in the BRCA1 gene. It is expected to result in an absent or disrupted protein product. Loss-of-function variants in BRCA1 are known to be pathogenic (PMID: 20104584). This variant is not present in population databases (gnomAD no frequency). This variant has not been reported in the literature in individuals affected with BRCA1-related conditions. For these reasons, this variant has been classified as Pathogenic.

Literature cited by the submitters: PubMed 20104584.

NM_007294.4(BRCA1):c.113del (p.Lys38fs)

Gene: BRCA1 (BRCA1 DNA repair associated; minus strand). Cytogenetic location: 17q21.31.
Variant type: Deletion.
Coding change: c.113del on transcript NM_007294.4 (MANE Select); coding-DNA position 113, one base deleted (A; older notation c.113delA).
Protein change: p.Lys38fs; shifts the reading frame from lysine 38.
Molecular consequence: frameshift variant. On other transcripts: 5 prime UTR variant (132), intron variant (41).
Genome position (GRCh38, 1-based): chr17:43,115,747, T deleted on the plus strand (A on the coding strand, the reverse complement: BRCA1 is on the minus strand); the first of 3 consecutive T bases (chr17:43,115,747-43,115,749); deleting any one gives the same sequence. VCF-style (leftmost placement, unchanged base first): chr17-43115746-CT-C. GRCh37 (hg19) VCF-style: chr17-41267763-CT-C.
Other names: c.113del, p.Lys38fs (NM_001407585.1, NM_001407587.1, NM_001407590.1 and 191 more transcripts); c.-76del (NM_001408493.1, NM_001408502.1, NM_001408506.1 and 52 more transcripts); c.-29del (NM_001408497.1, NM_001408499.1, NM_001408500.1 and 47 more transcripts); c.-145del (NM_001408501.1, NM_001407694.1, NM_001407696.1 and 13 more transcripts); c.-191del (NM_001408510.1, NM_001408512.1, NM_001407960.1 and 1 more transcripts); c.-219+9530del (NM_001407967.1); c.-170+9530del (NM_001407959.1); c.-7-9214del (NM_001407931.1, NM_001407747.1, NM_001408511.1 and 2 more transcripts); and 10 more; short protein forms K38fs.
Identifiers: ClinVar variation 4724665 (VCV004724665.1).
Genomic context (GRCh38, chr17:43,115,746, plus strand): 5'-AAAAGCTAATAATGGAGCCACATAACACATTCAAACTTACTTGCAAAATATGTGGTCACA[CT>C]TTGTGGAGACAGGTTCCTTGATCAACTCCAGACTAGCAGGGTAGGGGGGGAGAAAAAGAA-3'